The following is an entry in ClinVar:

NM_001079872.2(CUL4B):c.254T>C (p.Leu85Pro)

Genes: CUL4B (cullin 4B; minus strand), LOC113845788 (Sharpr-MPRA regulatory region 11856; plus strand). Cytogenetic location: Xq24.
Variant type: single nucleotide variant.
Coding change: c.254T>C on transcript NM_001079872.2 (MANE Select); coding-DNA position 254, T replaced by C.
Protein change: p.Leu85Pro; replaces leucine 85 with proline.
Molecular consequence: missense variant.
Genome position (GRCh38, 1-based): chrX:120,560,385, A>G on the plus strand (T>C on the coding strand, the complement: CUL4B is on the minus strand). VCF-style: chrX-120560385-A-G. GRCh37 (hg19) VCF-style: chrX-119694240-A-G.
Other names: c.269T>C, p.Leu90Pro (NM_001330624.2); c.308T>C, p.Leu103Pro (NM_003588.4); short protein forms L85P, L103P, L90P.
Identifiers: ClinVar variation 4739056 (VCV004739056.1).

ClinVar aggregate classification (germline): Uncertain significance (1 of 4 stars; one submission).

Conditions:
X-linked intellectual disability Cabezas type (MRXSC). Also called: CABEZAS SYNDROME; MENTAL RETARDATION, X-LINKED, SYNDROMIC 15; Intellectual developmental disorder, X-linked syndromic, Cabezas type. Identifiers: Orphanet 85289, Orphanet 85293, MedGen C1845861, MONDO:0010306, OMIM 300354.

gnomAD v4.1: 35 of 1,207,730 alleles (0.0029%); highest among the groups gnomAD compares: Non-Finnish European, 0.0038%; no homozygotes.

Submission:

Labcorp Genetics (formerly Invitae), Labcorp
Classification: Uncertain significance for X-linked intellectual disability Cabezas type. Last evaluated: 2025-08-11. Review status: criteria provided, single submitter. Criteria: Invitae Variant Classification Sherloc (09022015). Collection method: clinical testing. Allele origin: germline.
Comment: This sequence change replaces leucine, which is neutral and non-polar, with proline, which is neutral and non-polar, at codon 103 of the CUL4B protein (p.Leu103Pro). This variant is not present in population databases (gnomAD no frequency). This variant has not been reported in the literature in individuals affected with CUL4B-related conditions. Invitae Evidence Modeling of protein sequence and biophysical properties (such as structural, functional, and spatial information, amino acid conservation, physicochemical variation, residue mobility, and thermodynamic stability) indicates that this missense variant is not expected to disrupt CUL4B protein function with a negative predictive value of 80%. In summary, the available evidence is currently insufficient to determine the role of this variant in disease. Therefore, it has been classified as a Variant of Uncertain Significance.